The following is an entry in ClinVar:

NM_001164508.2(NEB):c.12374G>A (p.Trp4125Ter)

Gene: NEB (nebulin; minus strand). Cytogenetic location: 2q23.3.
Variant type: single nucleotide variant.
Coding change: c.12374G>A on transcript NM_001164508.2 (MANE Select); coding-DNA position 12374, G replaced by A.
Protein change: p.Trp4125Ter; replaces tryptophan 4125 with a stop codon.
Molecular consequence: nonsense. On other transcripts: intron variant (1).
Genome position (GRCh38, 1-based): chr2:151,608,633, C>T on the plus strand (G>A on the coding strand, the complement: NEB is on the minus strand). VCF-style: chr2-151608633-C-T. GRCh37 (hg19) VCF-style: chr2-152465147-C-T.
Other names: c.12374G>A, p.Trp4125Ter (NM_001164507.2, NM_001271208.2); c.11601+1176G>A (NM_004543.5); short protein forms W4125*.
Identifiers: ClinVar variation 1075595 (VCV001075595.9), dbSNP rs2153960638, ClinGen allele CA348776183.

ClinVar aggregate classification (germline): Pathogenic (1 of 4 stars; one submission).

Conditions:
Nemaline myopathy 2 (NEM2). Also called: Nemaline myopathy 2, autosomal recessive. Identifiers: MedGen C1850569, MONDO:0009725, OMIM 256030.

Submission:

Labcorp Genetics (formerly Invitae), Labcorp
Classification: Pathogenic for Nemaline myopathy 2. Last evaluated: 2025-09-02. Review status: criteria provided, single submitter. Criteria: Invitae Variant Classification Sherloc (09022015). Collection method: clinical testing. Allele origin: germline.
Comment: This variant occurs in a region of NEB (Exons 82-105) consisting of three highly homologous 8-exon repeat units (exons 82-89, exons 90-97, exons 98-105). Sequence variants in this region can be detected, but this assay cannot determine which of the three repeat units is affected, and zygosity is often ambiguous. All variants in this region are reported relative to the exon 82-89 repeat. This sequence change creates a premature translational stop signal (p.Trp4125*) in the NEB gene. It is expected to result in an absent or disrupted protein product. Loss-of-function variants in NEB are known to be pathogenic (PMID: 25205138). The frequency data for this variant in the population databases (gnomAD) is considered unreliable due to the presence of homologous sequence, such as pseudogenes or paralogs, in the genome. This variant has not been reported in the literature in individuals affected with NEB-related conditions. ClinVar contains an entry for this variant (Variation ID: 1075595). For these reasons, this variant has been classified as Pathogenic.

Literature cited by the submitters: PubMed 25205138.